The following is an entry in ClinVar:

NM_003001.5(SDHC):c.352T>C (p.Phe118Leu)

Gene: SDHC (succinate dehydrogenase complex subunit C; plus strand). Cytogenetic location: 1q23.3.
Variant type: single nucleotide variant.
Coding change: c.352T>C on transcript NM_003001.5 (MANE Select); coding-DNA position 352, T replaced by C.
Protein change: p.Phe118Leu; replaces phenylalanine 118 with leucine.
Molecular consequence: missense variant. On other transcripts: non-coding transcript variant (1), intron variant (3).
Genome position (GRCh38, 1-based): chr1:161,356,787, T>C. VCF-style: chr1-161356787-T-C. GRCh37 (hg19) VCF-style: chr1-161326577-T-C.
Other names: c.241T>C, p.Phe81Leu (NM_001407120.1, NM_001407119.1); c.242-5542T>C (NM_001035511.3); c.140-5542T>C (NM_001278172.3); c.185-5542T>C (NM_001407121.1); c.250T>C, p.Phe84Leu (NM_001035512.3); c.193T>C, p.Phe65Leu (NM_001035513.3); c.472T>C, p.Phe158Leu (NM_001407115.1); c.295T>C, p.Phe99Leu (NM_001407116.1); and 2 more; short protein forms F118L, F158L, F65L, F81L, F82L, F84L, F97L, F99L.
Identifiers: ClinVar variation 3749058 (VCV003749058.2).

ClinVar aggregate classification (germline): Uncertain significance (1 of 4 stars; one submission).

Conditions:
Gastrointestinal stromal tumor. Also called: Gastrointestinal stromal tumor, somatic; Gastrointestinal stroma tumor. Identifiers: Orphanet 44890, MedGen C0238198, MeSH D046152, MONDO:0011719, OMIM 606764, HP:0100723.
Pheochromocytoma/paraganglioma syndrome 3. Also called: GLOMUS TUMORS, FAMILIAL, 3; Paragangliomas 3; SDHC-Related Hereditary Paraganglioma-Pheochromocytoma Syndrome (Paragangliomas 3); SDHC-Related Hereditary Paraganglioma-Pheochromocytoma Syndrome. Identifiers: Orphanet 29072, MedGen C1854336, MONDO:0011544, OMIM 605373.

Submission:

Labcorp Genetics (formerly Invitae), Labcorp
Classification: Uncertain significance for Pheochromocytoma/paraganglioma syndrome 3; Gastrointestinal stromal tumor. Last evaluated: 2024-03-04. Review status: criteria provided, single submitter. Criteria: Invitae Variant Classification Sherloc (09022015). Collection method: clinical testing. Allele origin: germline.
Comment: This sequence change replaces phenylalanine, which is neutral and non-polar, with leucine, which is neutral and non-polar, at codon 118 of the SDHC protein (p.Phe118Leu). This variant is not present in population databases (gnomAD no frequency). This variant has not been reported in the literature in individuals affected with SDHC-related conditions. An algorithm developed to predict the effect of missense changes on protein structure and function (PolyPhen-2) suggests that this variant is likely to be tolerated. In summary, the available evidence is currently insufficient to determine the role of this variant in disease. Therefore, it has been classified as a Variant of Uncertain Significance.